The following is an entry in ClinVar:

NM_007317.3(KIF22):c.1918A>T (p.Ile640Leu)

Gene: KIF22 (kinesin family member 22; plus strand). Cytogenetic location: 16p11.2.
Variant type: single nucleotide variant.
Coding change: c.1918A>T on transcript NM_007317.3 (MANE Select); coding-DNA position 1918, A replaced by T.
Protein change: p.Ile640Leu; replaces isoleucine 640 with leucine.
Molecular consequence: missense variant.
Genome position (GRCh38, 1-based): chr16:29,805,142, A>T. VCF-style: chr16-29805142-A-T. GRCh37 (hg19) VCF-style: chr16-29816463-A-T.
Other names: c.1714A>T, p.Ile572Leu (NM_001256269.2, NM_001256270.1); short protein forms I640L, I572L.
Identifiers: ClinVar variation 2511279 (VCV002511279.4), dbSNP rs200193862, ClinGen allele CA7993512.

ClinVar aggregate classification (germline): Uncertain significance. Review status: criteria provided, multiple submitters, no conflicts (2 of 4 stars). 2 submissions from 2 submitters: Uncertain significance (2). Last evaluated 2024-05-13.

Allele frequency attached by ClinVar (database versions not stated): 1000 Genomes Project 30x 0.00016; 1000 Genomes Project 0.00020.
gnomAD v4.1: 12 of 1,613,696 alleles (0.00074%); highest among the groups gnomAD compares: East Asian, 0.025%; no homozygotes.

Submissions (2):

Labcorp Genetics (formerly Invitae), Labcorp
Classification: Uncertain significance. Last evaluated: 2024-05-13. Review status: criteria provided, single submitter. Criteria: Invitae Variant Classification Sherloc (09022015). Collection method: clinical testing. Allele origin: germline.
Comment: This sequence change replaces isoleucine, which is neutral and non-polar, with leucine, which is neutral and non-polar, at codon 640 of the KIF22 protein (p.Ile640Leu). This variant is present in population databases (rs200193862, gnomAD 0.06%). This variant has not been reported in the literature in individuals affected with KIF22-related conditions. ClinVar contains an entry for this variant (Variation ID: 2511279). An algorithm developed to predict the effect of missense changes on protein structure and function (PolyPhen-2) suggests that this variant is likely to be tolerated. In summary, the available evidence is currently insufficient to determine the role of this variant in disease. Therefore, it has been classified as a Variant of Uncertain Significance.

Ambry Genetics
Classification: Uncertain significance. Last evaluated: 2023-06-07. Review status: criteria provided, single submitter. Criteria: Ambry Variant Classification Scheme 2023. Collection method: clinical testing. Allele origin: germline.